The following is an entry in ClinVar:

ClinVar aggregate classification (germline): Likely benign (1 of 4 stars; one submission).

Submission:

CeGaT Center for Human Genetics Tuebingen
Classification: Likely benign. Last evaluated: 2026-07-01. Review status: criteria provided, single submitter. Criteria: CeGaT Center For Human Genetics Tuebingen Variant Classification Criteria Version 2. Collection method: clinical testing. Allele origin: germline. Affected: yes. Observed: 1 variant allele.
Comment: ADAMTSL2: BP4, BP7

NM_014694.4(ADAMTSL2):c.1536G>A (p.Gly512=)

Gene: ADAMTSL2 (ADAMTS like 2; plus strand). Cytogenetic location: 9q34.2.
Variant type: single nucleotide variant.
Coding change: c.1536G>A on transcript NM_014694.4 (MANE Select); coding-DNA position 1536, G replaced by A.
Protein change: p.Gly512=; no amino-acid change (glycine 512 retained).
Molecular consequence: synonymous variant.
Genome position (GRCh38, 1-based): chr9:133,555,817, G>A. VCF-style: chr9-133555817-G-A. GRCh37 (hg19) VCF-style: chr9-136420939-G-A.
Other names: c.1536G>A, p.Gly512= (NM_001145320.2).
Identifiers: ClinVar variation 5039574 (VCV005039574.1).